The following is an entry in ClinVar:

ClinVar aggregate classification (germline): Uncertain significance (1 of 4 stars; one submission).

Conditions:
Inborn genetic diseases. Identifiers: MedGen C0950123, MeSH D030342.

Submission:

Ambry Genetics
Classification: Uncertain significance for Inborn genetic diseases. Last evaluated: 2025-04-06. Review status: criteria provided, single submitter. Criteria: Ambry Variant Classification Scheme 2023. Collection method: clinical testing. Allele origin: germline.
Comment: The p.A380V variant (also known as c.1139C>T), located in coding exon 10 of the ANKRD26 gene, results from a C to T substitution at nucleotide position 1139. The alanine at codon 380 is replaced by valine, an amino acid with similar properties. This amino acid position is conserved. In addition, this alteration is predicted to be tolerated by in silico analysis. Based on the available evidence, the clinical significance of this variant remains unclear.

NM_014915.3(ANKRD26):c.1139C>T (p.Ala380Val)

Gene: ANKRD26 (ankyrin repeat domain containing 26; minus strand). Cytogenetic location: 10p12.1.
Variant type: single nucleotide variant.
Coding change: c.1139C>T on transcript NM_014915.3 (MANE Select); coding-DNA position 1139, C replaced by T.
Protein change: p.Ala380Val; replaces alanine 380 with valine.
Molecular consequence: missense variant.
Genome position (GRCh38, 1-based): chr10:27,067,225, G>A on the plus strand (C>T on the coding strand, the complement: ANKRD26 is on the minus strand). VCF-style: chr10-27067225-G-A. GRCh37 (hg19) VCF-style: chr10-27356154-G-A.
Other names: c.1139C>T, p.Ala380Val (NM_001256053.2); short protein forms A380V.
Identifiers: ClinVar variation 3912348 (VCV003912348.1).